The following is an entry in ClinVar:

NM_000540.3(RYR1):c.14749T>C (p.Phe4917Leu)

Gene: RYR1 (ryanodine receptor 1; plus strand). Cytogenetic location: 19q13.2.
Variant type: single nucleotide variant.
Coding change: c.14749T>C on transcript NM_000540.3 (MANE Select); coding-DNA position 14749, T replaced by C.
Protein change: p.Phe4917Leu; replaces phenylalanine 4917 with leucine.
Molecular consequence: missense variant.
Genome position (GRCh38, 1-based): chr19:38,585,045, T>C. VCF-style: chr19-38585045-T-C. GRCh37 (hg19) VCF-style: chr19-39075685-T-C.
Other names: c.14734T>C, p.Phe4912Leu (NM_001042723.2); short protein forms F4917L, F4912L.
Identifiers: ClinVar variation 805278 (VCV000805278.5), dbSNP rs1599674419, ClinGen allele CA405690775.

ClinVar aggregate classification (germline): Uncertain significance. Review status: criteria provided, multiple submitters, no conflicts (2 of 4 stars). 2 submissions from 2 submitters: Uncertain significance (2). Last evaluated 2022-11-22.

Conditions:
RYR1-related disorder. Also called: RYR1-related condition; RYR1-related disorders. Identifiers: MedGen CN239331.

Submissions (2):

Labcorp Genetics (formerly Invitae), Labcorp
Classification: Uncertain significance for RYR1-related disorder. Last evaluated: 2022-11-22. Review status: criteria provided, single submitter. Criteria: Invitae Variant Classification Sherloc (09022015). Collection method: clinical testing. Allele origin: germline.
Comment: This variant is not present in population databases (gnomAD no frequency). Advanced modeling of protein sequence and biophysical properties (such as structural, functional, and spatial information, amino acid conservation, physicochemical variation, residue mobility, and thermodynamic stability) performed at Invitae indicates that this missense variant is expected to disrupt RYR1 protein function. ClinVar contains an entry for this variant (Variation ID: 805278). This missense change has been observed in individual(s) with autosomal dominant congenital myopathy (PMID: 23394784). This sequence change replaces phenylalanine, which is neutral and non-polar, with leucine, which is neutral and non-polar, at codon 4917 of the RYR1 protein (p.Phe4917Leu). In summary, the available evidence is currently insufficient to determine the role of this variant in disease. Therefore, it has been classified as a Variant of Uncertain Significance.

Athena Diagnostics
Classification: Uncertain significance. Last evaluated: 2018-12-28. Review status: criteria provided, single submitter. Criteria: Athena Diagnostics Criteria. Collection method: clinical testing. Allele origin: germline.

Literature cited by the submitters: PubMed 23394784 (cited by Labcorp Genetics (formerly Invitae), Labcorp and Athena Diagnostics).